The following is an entry in ClinVar:

ClinVar aggregate classification (germline): Uncertain significance (1 of 4 stars; one submission).

Conditions:
Amyotrophic lateral sclerosis, susceptibility to, 24. Identifiers: MedGen C4693523, MONDO:0054750, OMIM 617892.

gnomAD v4.1: 1 of 1,613,220 alleles (0.000062%); highest among the groups gnomAD compares: East Asian, 0.0022%; no homozygotes.

Submission:

Neuberg Centre For Genomic Medicine, NCGM
Classification: Uncertain significance for Amyotrophic lateral sclerosis, susceptibility to, 24. Review status: criteria provided, single submitter. Criteria: ACMG Guidelines, 2015. Collection method: clinical testing. Allele origin: germline. Inheritance: Autosomal dominant inheritance. Affected: yes.
Comment: The missense variant c.2771A>T p.Asp924Val in the NEK1 gene has not been reported previously as a pathogenic variant nor as a benign variant, to our knowledge. This variant is absent in the gnomAD Exomes. The amino acid Asp at position 924 is changed to a Val changing protein sequence and it might alter its composition and physico-chemical properties. Multiple lines of computational evidence Polyphen - Damaging, SIFT - Damaging and MutationTaster - Disease causing predict a damaging effect on protein structure and function for this variant. The amino acid change p.Asp924Val in NEK1 is predicted as conserved by GERP++ and PhyloP across 100 vertebrates. For these reasons, this variant has been classified as Uncertain Significance.

NM_001199397.3(NEK1):c.2771A>T (p.Asp924Val)

Gene: NEK1 (NIMA related kinase 1; minus strand). Cytogenetic location: 4q33.
Variant type: single nucleotide variant.
Coding change: c.2771A>T on transcript NM_001199397.3 (MANE Select); coding-DNA position 2771, A replaced by T.
Protein change: p.Asp924Val; replaces aspartic acid 924 with valine.
Molecular consequence: missense variant. On other transcripts: non-coding transcript variant (1).
Genome position (GRCh38, 1-based): chr4:169,433,659, T>A on the plus strand (A>T on the coding strand, the complement: NEK1 is on the minus strand). VCF-style: chr4-169433659-T-A. GRCh37 (hg19) VCF-style: chr4-170354810-T-A.
Other names: c.2639A>T, p.Asp880Val (NM_001199398.3); c.2480A>T, p.Asp827Val (NM_001199399.3); c.2555A>T, p.Asp852Val (NM_001199400.3); c.2771A>T, p.Asp924Val (NM_001374418.1); c.2687A>T, p.Asp896Val (NM_001374419.1, NM_012224.4); c.2636A>T, p.Asp879Val (NM_001374420.1); c.2288A>T, p.Asp763Val (NM_001374421.1); short protein forms D763V, D827V, D852V, D879V, D880V, D896V, D924V.
Identifiers: ClinVar variation 3391231 (VCV003391231.1).